The following is an entry in ClinVar:

NM_004100.5(EYA4):c.437+7G>C

Gene: EYA4 (EYA transcriptional coactivator and phosphatase 4; plus strand). Cytogenetic location: 6q23.2.
Variant type: single nucleotide variant.
Coding change: c.437+7G>C on transcript NM_004100.5 (MANE Select); 7 bases into the intron after coding-DNA position 437, G replaced by C.
Molecular consequence: intron variant.
Genome position (GRCh38, 1-based): chr6:133,461,187, G>C. VCF-style: chr6-133461187-G-C. GRCh37 (hg19) VCF-style: chr6-133782325-G-C.
Other names: c.437+7G>C (NM_001301013.2, NM_172105.4); c.368+7G>C (NM_001370458.1, NM_172103.4); c.275+7G>C (NM_001370459.1, NM_001301012.2).
Identifiers: ClinVar variation 2743883 (VCV002743883.3), dbSNP rs1794351070, ClinGen allele CA1665000168.

ClinVar aggregate classification (germline): Uncertain significance (1 of 4 stars; one submission).

Conditions:
Dilated cardiomyopathy 1J (CMD1J). Also called: CARDIOMYOPATHY, DILATED, WITH SENSORINEURAL HEARING LOSS, AUTOSOMAL DOMINANT. Identifiers: Orphanet 217622, MedGen C1854368, MONDO:0011541, OMIM 605362.

Allele frequency attached by ClinVar (database versions not stated): TOPMed below 0.00001.

Submission:

Labcorp Genetics (formerly Invitae), Labcorp
Classification: Uncertain significance for Dilated cardiomyopathy 1J. Last evaluated: 2023-07-16. Review status: criteria provided, single submitter. Criteria: Invitae Variant Classification Sherloc (09022015). Collection method: clinical testing. Allele origin: germline.
Comment: This sequence change falls in intron 7 of the EYA4 gene. It does not directly change the encoded amino acid sequence of the EYA4 protein. In summary, the available evidence is currently insufficient to determine the role of this variant in disease. Therefore, it has been classified as a Variant of Uncertain Significance. Algorithms developed to predict the effect of sequence changes on RNA splicing suggest that this variant may disrupt the consensus splice site. This variant has not been reported in the literature in individuals affected with EYA4-related conditions. This variant is not present in population databases (gnomAD no frequency).